The following is an entry in ClinVar:

NM_017934.7(PHIP):c.562_564delinsCGC (p.Cys188Arg)

Gene: PHIP (PHIP subunit of CUL4-Ring ligase complex; minus strand). Cytogenetic location: 6q14.1.
Variant type: Indel.
Coding change: c.562_564delinsCGC on transcript NM_017934.7 (MANE Select); coding-DNA positions 562 to 564, TGT replaced by CGC.
Protein change: p.Cys188Arg; replaces cysteine 188 with arginine.
Molecular consequence: missense variant.
Genome position (GRCh38, 1-based): chr6:79,042,879-79,042,881, ACA replaced by GCG on the plus strand (TGT replaced by CGC on the coding strand, the reverse complement: PHIP is on the minus strand). VCF-style: chr6-79042879-ACA-GCG. GRCh37 (hg19) VCF-style: chr6-79752596-ACA-GCG.
Other names: short protein forms C188R.
Identifiers: ClinVar variation 1723730 (VCV001723730.2), dbSNP rs2482268837, ClinGen allele CA2580075875.

ClinVar aggregate classification (germline): Uncertain significance (1 of 4 stars; one submission).

Submission:

GeneDx
Classification: Uncertain significance. Last evaluated: 2022-05-08. Review status: criteria provided, single submitter. Criteria: GeneDx Variant Classification Process June 2021. Collection method: clinical testing. Allele origin: germline. Affected: yes.
Comment: Not observed at significant frequency in large population cohorts (gnomAD); In silico analysis supports a deleterious effect on protein structure/function; Has not been previously published as pathogenic or benign to our knowledge